The following is an entry in ClinVar:

ClinVar aggregate classification (germline): Uncertain significance (1 of 4 stars; one submission).

Conditions:
Facioscapulohumeral muscular dystrophy 2 (FSHD2). Also called: MUSCULAR DYSTROPHY, FACIOSCAPULOHUMERAL, TYPE 1B; FACIOSCAPULOHUMERAL MUSCULAR DYSTROPHY 2, DIGENIC; FSHD2, DIGENIC. Identifiers: Orphanet 269, MedGen C1834671, MONDO:0008031, OMIM 158901.

Submission:

Labcorp Genetics (formerly Invitae), Labcorp
Classification: Uncertain significance for Facioscapulohumeral muscular dystrophy 2. Last evaluated: 2024-05-23. Review status: criteria provided, single submitter. Criteria: Invitae Variant Classification Sherloc (09022015). Collection method: clinical testing. Allele origin: germline.
Comment: This sequence change replaces glycine, which is neutral and non-polar, with valine, which is neutral and non-polar, at codon 1718 of the SMCHD1 protein (p.Gly1718Val). This variant is not present in population databases (gnomAD no frequency). This variant has not been reported in the literature in individuals affected with SMCHD1-related conditions. Advanced modeling of protein sequence and biophysical properties (such as structural, functional, and spatial information, amino acid conservation, physicochemical variation, residue mobility, and thermodynamic stability) performed at Invitae indicates that this missense variant is not expected to disrupt SMCHD1 protein function with a negative predictive value of 80%. In summary, the available evidence is currently insufficient to determine the role of this variant in disease. Therefore, it has been classified as a Variant of Uncertain Significance.

NM_015295.3(SMCHD1):c.5153G>T (p.Gly1718Val)

Gene: SMCHD1 (structural maintenance of chromosomes flexible hinge domain containing 1; plus strand). Cytogenetic location: 18p11.32.
Variant type: single nucleotide variant.
Coding change: c.5153G>T on transcript NM_015295.3 (MANE Select); coding-DNA position 5153, G replaced by T.
Protein change: p.Gly1718Val; replaces glycine 1718 with valine.
Molecular consequence: missense variant.
Genome position (GRCh38, 1-based): chr18:2,772,350, G>T. VCF-style: chr18-2772350-G-T. GRCh37 (hg19) VCF-style: chr18-2772348-G-T.
Other names: short protein forms G1718V.
Identifiers: ClinVar variation 3672071 (VCV003672071.2).